The following is an entry in ClinVar:

NM_001142800.2(EYS):c.5988C>T (p.Cys1996=)

Gene: EYS (EGF-like photoreceptor maintenance factor; minus strand). Cytogenetic location: 6q12.
Variant type: single nucleotide variant.
Coding change: c.5988C>T on transcript NM_001142800.2 (MANE Select); coding-DNA position 5988, C replaced by T.
Protein change: p.Cys1996=; no amino-acid change (cysteine 1996 retained).
Molecular consequence: synonymous variant.
Genome position (GRCh38, 1-based): chr6:64,388,780, G>A on the plus strand (C>T on the coding strand, the complement: EYS is on the minus strand). VCF-style: chr6-64388780-G-A. GRCh37 (hg19) VCF-style: chr6-65098673-G-A.
Other names: c.5988C>T, p.Cys1996= (NM_001292009.2).
Identifiers: ClinVar variation 710964 (VCV000710964.14), dbSNP rs370988507, ClinGen allele CA3876957.

ClinVar aggregate classification (germline): Likely benign. Review status: criteria provided, multiple submitters, no conflicts (2 of 4 stars). 5 submissions from 5 submitters: Likely benign (3). 2 of the submissions do not count toward it. Last evaluated 2026-01-06.

Conditions:
EYS-related disorder. Also called: EYS-related condition.
Retinitis pigmentosa (RP). Identifiers: Orphanet 791, MedGen C0035334, MeSH D012174, MONDO:0019200, OMIM 268000. Inheritance: Autosomal dominant, autosomal recessive and X linked inheritance.

Allele frequency attached by ClinVar (database versions not stated): gnomAD 0.00027 and 0.00029; gnomAD exomes 0.00005; ExAC 0.00015; ESP Exome Variant Server 0.00022; TOPMed 0.00022.
gnomAD v4.1: 76 of 1,543,592 alleles (0.0049%); highest among the groups gnomAD compares: African/African-American, 0.071%; no homozygotes.

Submissions (5):

Labcorp Genetics (formerly Invitae), Labcorp
Classification: Likely benign. Last evaluated: 2026-01-06. Review status: criteria provided, single submitter. Criteria: Invitae Variant Classification Sherloc (09022015). Collection method: clinical testing. Allele origin: germline.

Laboratory of Genetics, Children's Clinical University Hospital Latvia
Classification: Likely benign. Last evaluated: 2025-02-16. Review status: criteria provided, single submitter. Criteria: ACMG Guidelines, 2015. Collection method: clinical testing. Allele origin: germline. Affected: yes.

Blueprint Genetics
Classification: Likely benign. Last evaluated: 2022-09-05. Review status: criteria provided, single submitter. Criteria: ACMG Guidelines, 2015. Collection method: clinical testing. Allele origin: germline.

PreventionGenetics, part of Exact Sciences
Classification: Likely benign for EYS-related condition. Last evaluated: 2024-09-15. Review status: no assertion criteria provided. Collection method: clinical testing. Allele origin: germline. Not counted in ClinVar's aggregate classification.
Comment: This variant is classified as likely benign based on ACMG/AMP sequence variant interpretation guidelines (Richards et al. 2015 PMID: 25741868, with internal and published modifications).

Natera, Inc.
Classification: Uncertain significance for Retinitis pigmentosa. Last evaluated: 2020-04-16. Review status: no assertion criteria provided. Collection method: clinical testing. Allele origin: germline. Not counted in ClinVar's aggregate classification.